The following is an entry in ClinVar:

ClinVar aggregate classification (germline): Uncertain significance. Review status: criteria provided, multiple submitters, no conflicts (2 of 4 stars). 3 submissions from 3 submitters: Uncertain significance (3). Last evaluated 2026-03-02.

Conditions:
PLXNA1-related disorder. Also called: PLXNA1-related condition.

Allele frequency attached by ClinVar (database versions not stated): ExAC 0.00018; ESP Exome Variant Server 0.00031.
gnomAD v4.1: 266 of 1,613,212 alleles (0.016%); highest among the groups gnomAD compares: South Asian, 0.037%; 1 homozygote.

Submissions (3):

PreventionGenetics, part of Exact Sciences
Classification: Uncertain significance for PLXNA1-related condition. Last evaluated: 2026-03-02. Review status: criteria provided, single submitter. Criteria: ACMG Guidelines, 2015. Collection method: clinical testing. Allele origin: germline.
Comment: The PLXNA1 c.4694G>A variant is predicted to result in the amino acid substitution p.Arg1565His. To our knowledge, this variant has not been reported in the literature. This variant is reported in 0.039% of alleles in individuals of South Asian descent in gnomAD. At this time, the clinical significance of this variant is uncertain due to the absence of conclusive functional and genetic evidence.

Ambry Genetics
Classification: Uncertain significance. Last evaluated: 2022-11-18. Review status: criteria provided, single submitter. Criteria: Ambry Variant Classification Scheme 2023. Collection method: clinical testing. Allele origin: germline.

Labcorp Genetics (formerly Invitae), Labcorp
Classification: Uncertain significance. Last evaluated: 2022-07-06. Review status: criteria provided, single submitter. Criteria: Invitae Variant Classification Sherloc (09022015). Collection method: clinical testing. Allele origin: germline.
Comment: This sequence change replaces arginine, which is basic and polar, with histidine, which is basic and polar, at codon 1565 of the PLXNA1 protein (p.Arg1565His). This variant is present in population databases (rs142147514, gnomAD 0.04%). This variant has not been reported in the literature in individuals affected with PLXNA1-related conditions. ClinVar contains an entry for this variant (Variation ID: 1501057). Algorithms developed to predict the effect of missense changes on protein structure and function are either unavailable or do not agree on the potential impact of this missense change (SIFT: "Deleterious"; PolyPhen-2: "Probably Damaging"; Align-GVGD: "Class C0"). In summary, the available evidence is currently insufficient to determine the role of this variant in disease. Therefore, it has been classified as a Variant of Uncertain Significance.

NM_032242.4(PLXNA1):c.4694G>A (p.Arg1565His)

Gene: PLXNA1 (plexin A1; plus strand). Cytogenetic location: 3q21.3.
Variant type: single nucleotide variant.
Coding change: c.4694G>A on transcript NM_032242.4 (MANE Select); coding-DNA position 4694, G replaced by A.
Protein change: p.Arg1565His; replaces arginine 1565 with histidine.
Molecular consequence: missense variant.
Genome position (GRCh38, 1-based): chr3:127,029,017, G>A. VCF-style: chr3-127029017-G-A. GRCh37 (hg19) VCF-style: chr3-126747860-G-A.
Other names: c.4694G>A (NM_032242.3); short protein forms R1565H.
Identifiers: ClinVar variation 1501057 (VCV001501057.7), dbSNP rs142147514, ClinGen allele CA2594471.